The following is an entry in ClinVar:

NM_018062.4(FANCL):c.375A>G (p.Lys125=)

Gene: FANCL (FA complementation group L; minus strand). Cytogenetic location: 2p16.1.
Variant type: single nucleotide variant.
Coding change: c.375A>G on transcript NM_018062.4 (MANE Select); coding-DNA position 375, A replaced by G.
Protein change: p.Lys125=; no amino-acid change (lysine 125 retained).
Molecular consequence: synonymous variant. On other transcripts: non-coding transcript variant (2).
Genome position (GRCh38, 1-based): chr2:58,204,226, T>C on the plus strand (A>G on the coding strand, the complement: FANCL is on the minus strand). VCF-style: chr2-58204226-T-C. GRCh37 (hg19) VCF-style: chr2-58431361-T-C.
Other names: c.375A>G, p.Lys125= (NM_001114636.2, NM_001374615.1, NM_001410792.1).
Identifiers: ClinVar variation 3586779 (VCV003586779.2).

ClinVar aggregate classification (germline): Uncertain significance. Review status: criteria provided, multiple submitters, no conflicts (2 of 4 stars). 2 submissions from 2 submitters: Uncertain significance (2). Last evaluated 2025-04-13.

Conditions:
Fanconi anemia (FA). Also called: Fanconi's anemia. Identifiers: Orphanet 84, MedGen C0015625, MeSH D005199, MONDO:0019391.
Fanconi anemia complementation group L (FANCL). Also called: FANCL-Related Fanconi Anemia. Identifiers: Orphanet 84, MedGen C3469528, MONDO:0013566, OMIM 614083.

gnomAD v4.1: 1 of 1,611,572 alleles (0.000062%); highest among the groups gnomAD compares: Non-Finnish European, 0.000085%; no homozygotes.

Submissions (2):

Labcorp Genetics (formerly Invitae), Labcorp
Classification: Uncertain significance for Fanconi anemia. Last evaluated: 2025-04-13. Review status: criteria provided, single submitter. Criteria: Invitae Variant Classification Sherloc (09022015). Collection method: clinical testing. Allele origin: germline.
Comment: This sequence change affects codon 125 of the FANCL mRNA. It is a 'silent' change, meaning that it does not change the encoded amino acid sequence of the FANCL protein. It affects a nucleotide within the consensus splice site. This variant is not present in population databases (gnomAD no frequency). This variant has not been reported in the literature in individuals affected with FANCL-related conditions. ClinVar contains an entry for this variant (Variation ID: 3586779). Algorithms developed to predict the effect of sequence changes on RNA splicing suggest that this variant is not likely to affect RNA splicing. In summary, the available evidence is currently insufficient to determine the role of this variant in disease. Therefore, it has been classified as a Variant of Uncertain Significance.

Fulgent Genetics
Classification: Uncertain significance for Fanconi anemia complementation group L. Last evaluated: 2024-04-01. Review status: criteria provided, single submitter. Criteria: ACMG Guidelines, 2015. Collection method: clinical testing. Allele origin: germline.